The following is an entry in ClinVar:

NM_004104.5(FASN):c.2678G>A (p.Ser893Asn)

Gene: FASN (fatty acid synthase; minus strand). Cytogenetic location: 17q25.3.
Variant type: single nucleotide variant.
Coding change: c.2678G>A on transcript NM_004104.5 (MANE Select); coding-DNA position 2678, G replaced by A.
Protein change: p.Ser893Asn; replaces serine 893 with asparagine.
Molecular consequence: missense variant.
Genome position (GRCh38, 1-based): chr17:82,088,223, C>T on the plus strand (G>A on the coding strand, the complement: FASN is on the minus strand). VCF-style: chr17-82088223-C-T. GRCh37 (hg19) VCF-style: chr17-80046099-C-T.
Other names: short protein forms S893N.
Identifiers: ClinVar variation 854571 (VCV000854571.9), dbSNP rs1190129055, ClinGen allele CA401555988.

ClinVar aggregate classification (germline): Uncertain significance (1 of 4 stars; one submission).

Conditions:
Epileptic encephalopathy. Identifiers: MedGen C0543888, HP:0200134.

Allele frequency attached by ClinVar (database versions not stated): gnomAD exomes below 0.00001.
gnomAD v4.1: 1 of 1,611,324 alleles (0.000062%); highest among the groups gnomAD compares: Admixed American, 0.0017%; no homozygotes.

Submission:

Labcorp Genetics (formerly Invitae), Labcorp
Classification: Uncertain significance for Epileptic encephalopathy. Last evaluated: 2019-02-20. Review status: criteria provided, single submitter. Criteria: Invitae Variant Classification Sherloc (09022015). Collection method: clinical testing. Allele origin: germline.
Comment: In summary, the available evidence is currently insufficient to determine the role of this variant in disease. Therefore, it has been classified as a Variant of Uncertain Significance. Algorithms developed to predict the effect of missense changes on protein structure and function (SIFT, PolyPhen-2, Align-GVGD) all suggest that this variant is likely to be tolerated, but these predictions have not been confirmed by published functional studies and their clinical significance is uncertain. This variant has not been reported in the literature in individuals with FASN-related conditions. This variant is not present in population databases (ExAC no frequency). This sequence change replaces serine with asparagine at codon 893 of the FASN protein (p.Ser893Asn). The serine residue is weakly conserved and there is a small physicochemical difference between serine and asparagine.